The following is an entry in ClinVar:

ClinVar aggregate classification (germline): Likely benign (0 of 4 stars; one submission).

Conditions:
ITIH4-related disorder. Also called: ITIH4-related condition.

Allele frequency attached by ClinVar (database versions not stated): ExAC 0.00022; ESP Exome Variant Server 0.00023; gnomAD 0.00029; TOPMed 0.00031; gnomAD exomes 0.00060.
gnomAD v4.1: 918 of 1,614,186 alleles (0.057%); highest among the groups gnomAD compares: Non-Finnish European, 0.072%; no homozygotes.

Submission:

PreventionGenetics, part of Exact Sciences
Classification: Likely benign for ITIH4-related condition. Last evaluated: 2019-11-04. Review status: no assertion criteria provided. Collection method: clinical testing. Allele origin: germline.
Comment: This variant is classified as likely benign based on ACMG/AMP sequence variant interpretation guidelines (Richards et al. 2015 PMID: 25741868, with internal and published modifications).

NM_002218.5(ITIH4):c.45C>T (p.Val15=)

Gene: ITIH4 (inter-alpha-trypsin inhibitor heavy chain 4; minus strand). Cytogenetic location: 3p21.1.
Variant type: single nucleotide variant.
Coding change: c.45C>T on transcript NM_002218.5 (MANE Select); coding-DNA position 45, C replaced by T.
Protein change: p.Val15=; no amino-acid change (valine 15 retained).
Molecular consequence: synonymous variant.
Genome position (GRCh38, 1-based): chr3:52,830,598, G>A on the plus strand (C>T on the coding strand, the complement: ITIH4 is on the minus strand). VCF-style: chr3-52830598-G-A. GRCh37 (hg19) VCF-style: chr3-52864614-G-A.
Other names: c.45C>T, p.Val15= (NM_001166449.2).
Identifiers: ClinVar variation 3038185 (VCV003038185.2), dbSNP rs147068040, ClinGen allele CA2449856.